The following is an entry in ClinVar:

ClinVar aggregate classification (germline): Likely benign (1 of 4 stars; one submission).

gnomAD v4.1: 99 of 1,104,038 alleles (0.009%); highest among the groups gnomAD compares: East Asian, 0.02%; 5 homozygotes.

Submission:

CeGaT Center for Human Genetics Tuebingen
Classification: Likely benign. Last evaluated: 2026-04-01. Review status: criteria provided, single submitter. Criteria: CeGaT Center For Human Genetics Tuebingen Variant Classification Criteria Version 2. Collection method: clinical testing. Allele origin: germline. Affected: yes. Observed: 1 variant allele.
Comment: DRD4: BP4, BP7

NM_000797.4(DRD4):c.840C>A (p.Pro280=)

Gene: DRD4 (dopamine receptor D4; plus strand). Cytogenetic location: 11p15.5.
Variant type: single nucleotide variant.
Coding change: c.840C>A on transcript NM_000797.4 (MANE Select); coding-DNA position 840, C replaced by A.
Protein change: p.Pro280=; no amino-acid change (proline 280 retained).
Molecular consequence: synonymous variant.
Genome position (GRCh38, 1-based): chr11:640,089, C>A. VCF-style: chr11-640089-C-A. GRCh37 (hg19) VCF-style: chr11-640089-C-A.
Identifiers: ClinVar variation 4872256 (VCV004872256.2).
Genomic context (GRCh38, chr11:640,089, plus strand): 5'-CGACTGTGCGCCCCCCGCGCCCGGCCTTCCCCGGGGTCCCTGCGGCCCCGACTGTGCGCC[C>A]GCCGCGCCCAGCCTCCCCCAGGACCCCTGCGGCCCCGACTGTGCGCCCCCCGCGCCCGGC-3'
Protein context (NP_000788.2, residues 270-290): PRGPCGPDCA[Pro280=]AAPSLPQDPC